The following is an entry in ClinVar:

ClinVar aggregate classification (germline): Likely benign. Review status: criteria provided, multiple submitters, no conflicts (2 of 4 stars). 2 submissions from 2 submitters: Likely benign (2). Last evaluated 2024-02-18.

Allele frequency attached by ClinVar (database versions not stated): ExAC 0.00001; gnomAD exomes 0.00002; gnomAD 0.00003; TOPMed 0.00003.
gnomAD v4.1: 29 of 1,613,874 alleles (0.0018%); highest among the groups gnomAD compares: Middle Eastern, 0.016%; no homozygotes.

Submissions (2):

Labcorp Genetics (formerly Invitae), Labcorp
Classification: Likely benign. Last evaluated: 2024-02-18. Review status: criteria provided, single submitter. Criteria: Invitae Variant Classification Sherloc (09022015). Collection method: clinical testing. Allele origin: germline.

CeGaT Center for Human Genetics Tuebingen
Classification: Likely benign. Last evaluated: 2022-08-01. Review status: criteria provided, single submitter. Criteria: CeGaT Center For Human Genetics Tuebingen Variant Classification Criteria Version 2. Collection method: clinical testing. Allele origin: germline. Affected: yes. Observed: 1 variant allele.
Comment: CDC45: BP4, BP7

NM_003504.5(CDC45):c.1515C>T (p.Thr505=)

Gene: CDC45 (cell division cycle 45; plus strand). Cytogenetic location: 22q11.21.
Variant type: single nucleotide variant.
Coding change: c.1515C>T on transcript NM_003504.5 (MANE Select); coding-DNA position 1515, C replaced by T.
Protein change: p.Thr505=; no amino-acid change (threonine 505 retained).
Molecular consequence: synonymous variant. On other transcripts: non-coding transcript variant (1).
Genome position (GRCh38, 1-based): chr22:19,516,601, C>T. VCF-style: chr22-19516601-C-T. GRCh37 (hg19) VCF-style: chr22-19504124-C-T.
Other names: c.1611C>T, p.Thr537= (NM_001178010.2); c.1377C>T, p.Thr459= (NM_001178011.2); c.1479C>T, p.Thr493= (NM_001369291.1).
Identifiers: ClinVar variation 2652864 (VCV002652864.26), dbSNP rs776682487, ClinGen allele CA10101467.
Genomic context (GRCh38, chr22:19,516,601, plus strand): 5'-CTGCAAACTGCTGCCCCTGGTGATGGCTGCCCCCCTGAGCATGGAGCATGGCACAGTGAC[C>T]GTGGTGGGCATCCCCCCAGAGACCGACAGCTCGGACAGGAAGAAGTGAGCAGCTTCCACT-3'
Protein context (NP_003495.1, residues 495-515): APLSMEHGTV[Thr505=]VVGIPPETDS